The following is an entry in ClinVar:

ClinVar aggregate classification (germline): Likely pathogenic (1 of 4 stars; one submission).

Conditions:
Autosomal recessive nonsyndromic hearing loss 9. Also called: NEUROSENSORY NONSYNDROMIC RECESSIVE DEAFNESS 9; OTOF-Related Hearing Loss; Deafness, autosomal recessive 9; AUDITORY NEUROPATHY, AUTOSOMAL RECESSIVE, 1, TEMPERATURE-SENSITIVE. Identifiers: Orphanet 90636, MedGen C1832828, MONDO:0010986, OMIM 601071.

Submission:

Institute of Rare Diseases, West China Hospital, Sichuan University
Classification: Likely pathogenic for Autosomal recessive nonsyndromic hearing loss 9. Last evaluated: 2025-01-09. Review status: criteria provided, single submitter. Criteria: ClinGen HL ACMG Specifications v1. Collection method: research. Allele origin: germline. Affected: yes.
Comment: PVS1;PM2_Supporting

NM_194248.3(OTOF):c.5390dup (p.Asp1798fs)

Gene: OTOF (otoferlin; minus strand). Cytogenetic location: 2p23.3.
Variant type: Duplication.
Coding change: c.5390dup on transcript NM_194248.3 (MANE Select); coding-DNA position 5390, one base duplicated (T; older notation c.5390dupT).
Protein change: p.Asp1798fs; shifts the reading frame from aspartic acid 1798.
Molecular consequence: frameshift variant.
Genome position (GRCh38, 1-based): chr2:26,461,839, A duplicated on the plus strand (T on the coding strand, the reverse complement: OTOF is on the minus strand); the first of 2 consecutive A bases (chr2:26,461,839-26,461,840); duplicating either gives the same sequence. VCF-style (leftmost placement, unchanged base first): chr2-26461838-G-GA. GRCh37 (hg19) VCF-style: chr2-26684706-G-GA.
Other names: c.5390dup, p.Asp1798fs (NM_001287489.2); c.3089dup, p.Asp1031fs (NM_004802.4, NM_194323.3); c.3320dup, p.Asp1108fs (NM_194322.3); short protein forms D1031fs, D1108fs, D1798fs.
Identifiers: ClinVar variation 3601554 (VCV003601554.1).